The following is an entry in ClinVar:

NM_030665.4(RAI1):c.3603G>C (p.Gln1201His)

Gene: RAI1 (retinoic acid induced 1; plus strand). Cytogenetic location: 17p11.2.
Variant type: single nucleotide variant.
Coding change: c.3603G>C on transcript NM_030665.4 (MANE Select); coding-DNA position 3603, G replaced by C.
Protein change: p.Gln1201His; replaces glutamine 1201 with histidine.
Molecular consequence: missense variant.
Genome position (GRCh38, 1-based): chr17:17,796,551, G>C. VCF-style: chr17-17796551-G-C. GRCh37 (hg19) VCF-style: chr17-17699865-G-C.
Other names: short protein forms Q1201H.
Identifiers: ClinVar variation 2085748 (VCV002085748.4), dbSNP rs1472514444, ClinGen allele CA398554564.

ClinVar aggregate classification (germline): Uncertain significance (1 of 4 stars; one submission).

Submission:

Labcorp Genetics (formerly Invitae), Labcorp
Classification: Uncertain significance. Last evaluated: 2022-10-25. Review status: criteria provided, single submitter. Criteria: Invitae Variant Classification Sherloc (09022015). Collection method: clinical testing. Allele origin: germline.
Comment: This variant is not present in population databases (gnomAD no frequency). This sequence change replaces glutamine, which is neutral and polar, with histidine, which is basic and polar, at codon 1201 of the RAI1 protein (p.Gln1201His). This variant has not been reported in the literature in individuals affected with RAI1-related conditions. Algorithms developed to predict the effect of missense changes on protein structure and function (SIFT, PolyPhen-2, Align-GVGD) all suggest that this variant is likely to be tolerated. In summary, the available evidence is currently insufficient to determine the role of this variant in disease. Therefore, it has been classified as a Variant of Uncertain Significance.